The following is an entry in ClinVar:

ClinVar aggregate classification (germline): Pathogenic (1 of 4 stars; one submission).

Conditions:
Familial cancer of breast. Also called: hereditary breast carcinoma; Hereditary breast cancer; BREAST CANCER, FAMILIAL. Identifiers: Orphanet 227535, MedGen C0346153, MONDO:0016419, OMIM 114480. Disease mechanism: loss of function.

Submission:

Labcorp Genetics (formerly Invitae), Labcorp
Classification: Pathogenic for Familial cancer of breast. Last evaluated: 2020-09-15. Review status: criteria provided, single submitter. Criteria: Invitae Variant Classification Sherloc (09022015). Collection method: clinical testing. Allele origin: germline.
Comment: For these reasons, this variant has been classified as Pathogenic. Loss-of-function variants in CHEK2 are known to be pathogenic (PMID: 21876083, 24713400). This variant has not been reported in the literature in individuals with CHEK2-related conditions. This variant is not present in population databases (ExAC no frequency). This sequence change creates a premature translational stop signal (p.Ile157Leufs*4) in the CHEK2 gene. It is expected to result in an absent or disrupted protein product.

Literature cited by the submitters: PubMed 21876083; PubMed 24713400.

NM_007194.4(CHEK2):c.469del (p.Ile157fs)

Gene: CHEK2 (checkpoint kinase 2; minus strand). Cytogenetic location: 22q12.1.
Variant type: Deletion.
Coding change: c.469del on transcript NM_007194.4 (MANE Select); coding-DNA position 469, one base deleted (A; older notation c.469delA).
Protein change: p.Ile157fs; shifts the reading frame from isoleucine 157.
Molecular consequence: frameshift variant. On other transcripts: 5 prime UTR variant (2), intron variant (1).
Genome position (GRCh38, 1-based): chr22:28,725,100, T deleted on the plus strand (A on the coding strand, the reverse complement: CHEK2 is on the minus strand). VCF-style (leftmost placement, unchanged base first): chr22-28725099-AT-A. GRCh37 (hg19) VCF-style: chr22-29121087-AT-A.
Other names: c.598del, p.Ile200fs (NM_001005735.3, NM_001438294.1); c.-309del (NM_001257387.3); c.-195del (NM_001437942.1); c.562del, p.Ile188fs (NM_001438293.1, NM_001438295.1); c.469del, p.Ile157fs (NM_145862.3); c.444+143del (NM_001349956.3); short protein forms I157fs, I200fs, I188fs.
Identifiers: ClinVar variation 1075189 (VCV001075189.8), dbSNP rs2146061284, ClinGen allele CA2499226098.